The following is an entry in ClinVar:

ClinVar aggregate classification (germline): Uncertain significance (1 of 4 stars; one submission).

Conditions:
Supravalvar aortic stenosis (SVAS). Also called: Supravalvar aortic stenosis, Eisenberg type. Identifiers: Orphanet 3193, MedGen C0003499, MONDO:0008504, OMIM 185500, HP:0004381.

Submission:

Labcorp Genetics (formerly Invitae), Labcorp
Classification: Uncertain significance for Supravalvar aortic stenosis. Last evaluated: 2025-07-01. Review status: criteria provided, single submitter. Criteria: Invitae Variant Classification Sherloc (09022015). Collection method: clinical testing. Allele origin: germline.
Comment: This sequence change replaces histidine, which is basic and polar, with glutamine, which is neutral and polar, at codon 635 of the ELN protein (p.His635Gln). This variant is not present in population databases (gnomAD no frequency). This variant has not been reported in the literature in individuals affected with ELN-related conditions. ClinVar contains an entry for this variant (Variation ID: 2080289). Experimental studies and prediction algorithms are not available or were not evaluated, and the functional significance of this variant is currently unknown. In summary, the available evidence is currently insufficient to determine the role of this variant in disease. Therefore, it has been classified as a Variant of Uncertain Significance.

NM_000501.4(ELN):c.1747+71C>A

Genes: ELN (elastin; plus strand), ELN-AS1 (ELN antisense RNA 1; minus strand). Cytogenetic location: 7q11.23.
Variant type: single nucleotide variant.
Coding change: c.1747+71C>A on transcript NM_000501.4 (MANE Select); 71 bases into the intron after coding-DNA position 1747, C replaced by A.
Molecular consequence: intron variant. On other transcripts: missense variant (1).
Genome position (GRCh38, 1-based): chr7:74,060,572, C>A. VCF-style: chr7-74060572-C-A. GRCh37 (hg19) VCF-style: chr7-73474902-C-A.
Other names: c.1905C>A, p.His635Gln (NM_001278939.2); c.1762+71C>A (NM_001081754.3); c.1705+71C>A (NM_001081753.3); c.1765+71C>A (NM_001278915.2); c.1747+71C>A (NM_001278912.2); c.1690+71C>A (NM_001081755.3); c.1603+71C>A (NM_001278916.2); c.1504+71C>A (NM_001278913.2); and 4 more; short protein forms H635Q.
Identifiers: ClinVar variation 2080289 (VCV002080289.4), dbSNP rs2486331705, ClinGen allele CA367887404.